The following is an entry in ClinVar:

NM_003998.4(NFKB1):c.593G>A (p.Arg198His)

Gene: NFKB1 (nuclear factor kappa B subunit 1; plus strand). Cytogenetic location: 4q24.
Variant type: single nucleotide variant.
Coding change: c.593G>A on transcript NM_003998.4 (MANE Select); coding-DNA position 593, G replaced by A.
Protein change: p.Arg198His; replaces arginine 198 with histidine.
Molecular consequence: missense variant.
Genome position (GRCh38, 1-based): chr4:102,578,902, G>A. VCF-style: chr4-102578902-G-A. GRCh37 (hg19) VCF-style: chr4-103500059-G-A.
Other names: c.590G>A, p.Arg197His (NM_001165412.2, NM_001319226.2); short protein forms R197H, R198H.
Identifiers: ClinVar variation 723158 (VCV000723158.11), dbSNP rs561236472, ClinGen allele CA3025935.

ClinVar aggregate classification (germline): Likely benign. Review status: criteria provided, multiple submitters, no conflicts (2 of 4 stars). 3 submissions from 3 submitters: Likely benign (2). 1 of the submissions does not count toward it. Last evaluated 2026-01-08.

Conditions:
NFKB1-related disorder. Also called: NFKB1-related condition.

Allele frequency attached by ClinVar (database versions not stated): gnomAD 0.00004 and 0.00014; TOPMed 0.00022; ExAC 0.00051; 1000 Genomes Project 0.00060; 1000 Genomes Project 30x 0.00094.
gnomAD v4.1: 263 of 1,613,982 alleles (0.016%); highest among the groups gnomAD compares: South Asian, 0.23%; no homozygotes.

Submissions (3):

Labcorp Genetics (formerly Invitae), Labcorp
Classification: Likely benign. Last evaluated: 2026-01-08. Review status: criteria provided, single submitter. Criteria: Invitae Variant Classification Sherloc (09022015). Collection method: clinical testing. Allele origin: germline.

Blueprint Genetics
Classification: Likely benign. Last evaluated: 2022-08-05. Review status: criteria provided, single submitter. Criteria: ACMG Guidelines, 2015. Collection method: clinical testing. Allele origin: germline.

PreventionGenetics, part of Exact Sciences
Classification: Likely benign for NFKB1-related condition. Last evaluated: 2019-06-06. Review status: no assertion criteria provided. Collection method: clinical testing. Allele origin: germline. Not counted in ClinVar's aggregate classification.
Comment: This variant is classified as likely benign based on ACMG/AMP sequence variant interpretation guidelines (Richards et al. 2015 PMID: 25741868, with internal and published modifications).